The following is an entry in ClinVar:

NM_000135.4(FANCA):c.661A>G (p.Met221Val)

Gene: FANCA (FA complementation group A; minus strand). Cytogenetic location: 16q24.3.
Variant type: single nucleotide variant.
Coding change: c.661A>G on transcript NM_000135.4 (MANE Select); coding-DNA position 661, A replaced by G.
Protein change: p.Met221Val; replaces methionine 221 with valine.
Molecular consequence: missense variant.
Genome position (GRCh38, 1-based): chr16:89,805,328, T>C on the plus strand (A>G on the coding strand, the complement: FANCA is on the minus strand). VCF-style: chr16-89805328-T-C. GRCh37 (hg19) VCF-style: chr16-89871736-T-C.
Other names: c.661A>G (LRG_495t1, NM_000135.3); c.661A>G, p.Met221Val (NM_001018112.3, NM_001286167.3); c.565A>G, p.Met189Val (NM_001351830.2); short protein forms M221V, M189V.
Identifiers: ClinVar variation 408195 (VCV000408195.12), dbSNP rs150924963, ClinGen allele CA8252863.

ClinVar aggregate classification (germline): Uncertain significance. Review status: criteria provided, multiple submitters, no conflicts (2 of 4 stars). 7 submissions from 7 submitters: Uncertain significance (6). 1 of the submissions does not count toward it. Last evaluated 2024-07-31.

Conditions:
Fanconi anemia (FA). Also called: Fanconi's anemia. Identifiers: Orphanet 84, MedGen C0015625, MeSH D005199, MONDO:0019391.
Fanconi anemia complementation group A (FANCA). Also called: FANCA-Related Fanconi Anemia; Fanconi anemia, group A. Identifiers: Orphanet 84, MedGen C3469521, MONDO:0009215, OMIM 227650.

Allele frequency attached by ClinVar (database versions not stated): TOPMed 0.00003; gnomAD 0.00004; ESP Exome Variant Server 0.00015.
gnomAD v4.1: 163 of 1,613,920 alleles (0.01%); highest among the groups gnomAD compares: Non-Finnish European, 0.012%; no homozygotes.

Submissions (7):

Women's Health and Genetics/Laboratory Corporation of America, LabCorp
Classification: Uncertain significance. Last evaluated: 2024-07-31. Review status: criteria provided, single submitter. Criteria: LabCorp Variant Classification Summary - May 2015. Collection method: clinical testing. Allele origin: germline.
Comment: Variant summary: FANCA c.661A>G (p.Met221Val) results in a conservative amino acid change located in the Fanconi anaemia group A protein, N-terminal domain (IPR031729) of the encoded protein sequence. Five of five in-silico tools predict a benign effect of the variant on protein function. The variant allele was found at a frequency of 3.2e-05 in 249370 control chromosomes. The available data on variant occurrences in the general population are insufficient to allow any conclusion about variant significance. c.661A>G has been reported in the literature in an individual affected with Pancreatic cancer (Rogers_2004). These report(s) do not provide unequivocal conclusions about association of the variant with Fanconi Anemia. To our knowledge, no experimental evidence demonstrating an impact on protein function has been reported. The following publication have been ascertained in the context of this evaluation (PMID: 15591268). ClinVar contains an entry for this variant (Variation ID: 408195). Based on the evidence outlined above, the variant was classified as uncertain significance.

Quest Diagnostics Nichols Institute San Juan Capistrano
Classification: Uncertain significance. Last evaluated: 2024-07-24. Review status: criteria provided, single submitter. Criteria: Quest Diagnostics criteria. Collection method: clinical testing. Allele origin: unknown.
Comment: The FANCA c.661A>G (p.Met221Val) variant has been reported in the published literature in an individual with pancreatic cancer (PMID: 15591268 (2004)). The frequency of this variant in the general population, 0.000079 (10/127146 chromosomes (Genome Aggregation Database)), is uninformative in the assessment of its pathogenicity. Analysis of this variant using bioinformatics tools for the prediction of the effect of amino acid changes on protein structure and function yielded predictions that this variant is benign. Based on the available information, we are unable to determine the clinical significance of this variant.

Fulgent Genetics
Classification: Uncertain significance for Fanconi anemia complementation group A. Last evaluated: 2024-01-07. Review status: criteria provided, single submitter. Criteria: ACMG Guidelines, 2015. Collection method: clinical testing. Allele origin: germline.

Labcorp Genetics (formerly Invitae), Labcorp
Classification: Uncertain significance for Fanconi anemia. Last evaluated: 2022-10-18. Review status: criteria provided, single submitter. Criteria: Invitae Variant Classification Sherloc (09022015). Collection method: clinical testing. Allele origin: germline.
Comment: This sequence change replaces methionine, which is neutral and non-polar, with valine, which is neutral and non-polar, at codon 221 of the FANCA protein (p.Met221Val). The frequency data for this variant in the population databases is considered unreliable, as metrics indicate poor data quality at this position in the gnomAD database. This missense change has been observed in individual(s) with pancreatic cancer (PMID: 15591268). ClinVar contains an entry for this variant (Variation ID: 408195). Advanced modeling of protein sequence and biophysical properties (such as structural, functional, and spatial information, amino acid conservation, physicochemical variation, residue mobility, and thermodynamic stability) performed at Invitae indicates that this missense variant is not expected to disrupt FANCA protein function. In summary, the available evidence is currently insufficient to determine the role of this variant in disease. Therefore, it has been classified as a Variant of Uncertain Significance.

GeneDx
Classification: Uncertain significance. Last evaluated: 2022-01-24. Review status: criteria provided, single submitter. Criteria: GeneDx Variant Classification Process June 2021. Collection method: clinical testing. Allele origin: germline. Affected: yes.
Comment: In silico analysis supports that this missense variant does not alter protein structure/function; Observed in an individual with pancreatic cancer (Rogers 2004); This variant is associated with the following publications: (PMID: 15591268)

Sema4
Classification: Uncertain significance for Fanconi anemia. Last evaluated: 2021-05-10. Review status: criteria provided, single submitter. Criteria: Sema4 Curation Guidelines. Collection method: curation. Allele origin: germline.
Comment: The FANCA c.661A>G (p.M221V) variant has been reported in heterozygosity in at least one individual with familial pancreatic cancer (PMID: 15591268). It was observed in 10/127146 chromosomes, including 0 homozygotes, in the Non-Finnish European subpopulation in the large and broad cohorts of the Genome Aggregation Database (PMID: 32461654). The variant has been reported in ClinVar (Variation ID: 408195). In silico tools suggest the impact of the variant on protein function is benign, though these predictions have not been confirmed by functional studies. The evidence is insufficient to meet ACMG/AMP criteria for classifying the variant as benign or pathogenic. Thus, the clinical significance of this variant is currently uncertain.

Natera, Inc.
Classification: Uncertain significance for Fanconi anemia, group A. Last evaluated: 2020-09-16. Review status: no assertion criteria provided. Collection method: clinical testing. Allele origin: germline. Not counted in ClinVar's aggregate classification.

Literature cited by the submitters: PubMed 15591268 (cited by 4 submitters).